The following is an entry in ClinVar:

ClinVar aggregate classification (germline): Conflicting classifications of pathogenicity. Review status: criteria provided, conflicting classifications (1 of 4 stars). 2 submissions from 2 submitters: Uncertain significance (1); Likely benign (1). Last evaluated 2025-11-11.

Conditions:
Inborn genetic diseases. Identifiers: MedGen C0950123, MeSH D030342.

gnomAD v4.1: 28 of 1,614,090 alleles (0.0017%); highest among the groups gnomAD compares: South Asian, 0.0077%; no homozygotes.

Submissions (2):

Ambry Genetics
Classification: Likely benign for Inborn genetic diseases. Last evaluated: 2025-11-11. Review status: criteria provided, single submitter. Criteria: Ambry Variant Classification Scheme 2023. Collection method: clinical testing. Allele origin: germline.

GeneDx
Classification: Uncertain significance. Last evaluated: 2025-03-25. Review status: criteria provided, single submitter. Criteria: GeneDx Variant Classification Process June 2021. Collection method: clinical testing. Allele origin: germline. Affected: yes.
Comment: In silico analysis indicates that this missense variant does not alter protein structure/function; Has not been previously published as pathogenic or benign to our knowledge

NM_006828.4(ASCC3):c.3928A>G (p.Ile1310Val)

Gene: ASCC3 (activating signal cointegrator 1 complex subunit 3; minus strand). Cytogenetic location: 6q16.3.
Variant type: single nucleotide variant.
Coding change: c.3928A>G on transcript NM_006828.4 (MANE Select); coding-DNA position 3928, A replaced by G.
Protein change: p.Ile1310Val; replaces isoleucine 1310 with valine.
Molecular consequence: missense variant.
Genome position (GRCh38, 1-based): chr6:100,638,795, T>C on the plus strand (A>G on the coding strand, the complement: ASCC3 is on the minus strand). VCF-style: chr6-100638795-T-C. GRCh37 (hg19) VCF-style: chr6-101086671-T-C.
Other names: short protein forms I1310V.
Identifiers: ClinVar variation 4087985 (VCV004087985.2).